The following is an entry in ClinVar:

ClinVar aggregate classification (germline): Likely pathogenic (1 of 4 stars; one submission).

Conditions:
Pyruvate kinase deficiency of red cells (CNSHA2). Also called: Pyruvate kinase deficiency, Amish type; PK DEFICIENCY; PYRUVATE KINASE DEFICIENCY OF ERYTHROCYTE. Identifiers: Orphanet 766, MedGen C0340968, MONDO:0009950, OMIM 266200.

Submission:

Diagnostics Services (NGS), CSIR - Centre For Cellular And Molecular Biology
Classification: Likely pathogenic for Pyruvate kinase deficiency of red cells. Last evaluated: 2023-08-16. Review status: criteria provided, single submitter. Criteria: ACMG Guidelines, 2015. Collection method: clinical testing. Allele origin: unknown. Affected: yes. Observed: 1 variant allele, 1 heterozygote.
Comment: The c.829G>T variant is not present in not present in publicly available population databases like 1000 Genomes, ExAC, EVS, gnomAD, Indian Exome Database or our in-house exome database. This variant has neither been published in literature for PKLR-related conditions nor reported to the clinical databases like ClinVar, Human Genome Mutation Database (HGMD) or OMIM, in any affected individuals. In-silico pathogenicity prediction programs like MutationTaster2, CADD, Varsome, Franklin, InterVar etc predicted the c.829G>T variant to be likely deleterious. This variant creates a premature stop signal at the 277th amino acid position of wild-type transcript that may either result in translation of a truncated protein or cause nonsense mediated decay of the mRNA. This individuals another heterozygous variant (c.657_677del) in PKLR gene.

NM_000298.6(PKLR):c.829G>T (p.Glu277Ter)

Gene: PKLR (pyruvate kinase L/R; minus strand). Cytogenetic location: 1q22.
Variant type: single nucleotide variant.
Coding change: c.829G>T on transcript NM_000298.6 (MANE Select); coding-DNA position 829, G replaced by T.
Protein change: p.Glu277Ter; replaces glutamic acid 277 with a stop codon.
Molecular consequence: nonsense.
Genome position (GRCh38, 1-based): chr1:155,294,618, C>A on the plus strand (G>T on the coding strand, the complement: PKLR is on the minus strand). VCF-style: chr1-155294618-C-A. GRCh37 (hg19) VCF-style: chr1-155264409-C-A.
Other names: c.736G>T, p.Glu246Ter (NM_181871.4); short protein forms E246*, E277*.
Identifiers: ClinVar variation 2577012 (VCV002577012.1), dbSNP rs147689373, ClinGen allele CA342754269.